The following is an entry in ClinVar:

NM_007186.6(CEP250):c.4547A>T (p.Asp1516Val)

Gene: CEP250 (centrosomal protein 250; plus strand). Cytogenetic location: 20q11.22.
Variant type: single nucleotide variant.
Coding change: c.4547A>T on transcript NM_007186.6 (MANE Select); coding-DNA position 4547, A replaced by T.
Protein change: p.Asp1516Val; replaces aspartic acid 1516 with valine.
Molecular consequence: missense variant.
Genome position (GRCh38, 1-based): chr20:35,502,916, A>T. VCF-style: chr20-35502916-A-T. GRCh37 (hg19) VCF-style: chr20-34090744-A-T.
Other names: c.2651A>T, p.Asp884Val (NM_001318219.1); c.4547A>T (NM_007186.3); short protein forms D1516V, D884V.
Identifiers: ClinVar variation 1354452 (VCV001354452.9), dbSNP rs1568832361, ClinGen allele CA408748583.
Genomic context (GRCh38, chr20:35,502,916, plus strand): 5'-TCCAGGAGCGAGAGCAGAAGCTGACTGTGCAGAGGGAGCAGATCAGAGAGCTCGAGAAGG[A>T]TCGGGAGACTCAGAGGAACGTCTTGGAGCATCAGCTTCTAGAACTTGAGAAGAAAGACCA-3'
Protein context (NP_009117.2, residues 1506-1526): QREQIRELEK[Asp1516Val]RETQRNVLEH

ClinVar aggregate classification (germline): Uncertain significance. Review status: criteria provided, multiple submitters, no conflicts (2 of 4 stars). 2 submissions from 2 submitters: Uncertain significance (2). Last evaluated 2024-02-24.

Allele frequency attached by ClinVar (database versions not stated): gnomAD exomes below 0.00001.
gnomAD v4.1: 4 of 1,614,212 alleles (0.00025%); highest among the groups gnomAD compares: Non-Finnish European, 0.00034%; no homozygotes.

Submissions (2):

Labcorp Genetics (formerly Invitae), Labcorp
Classification: Uncertain significance. Last evaluated: 2024-02-24. Review status: criteria provided, single submitter. Criteria: Invitae Variant Classification Sherloc (09022015). Collection method: clinical testing. Allele origin: germline.
Comment: This sequence change replaces aspartic acid, which is acidic and polar, with valine, which is neutral and non-polar, at codon 1516 of the CEP250 protein (p.Asp1516Val). This variant is not present in population databases (gnomAD no frequency). This variant has not been reported in the literature in individuals affected with CEP250-related conditions. ClinVar contains an entry for this variant (Variation ID: 1354452). An algorithm developed to predict the effect of missense changes on protein structure and function (PolyPhen-2) suggests that this variant is likely to be disruptive. In summary, the available evidence is currently insufficient to determine the role of this variant in disease. Therefore, it has been classified as a Variant of Uncertain Significance.

Ambry Genetics
Classification: Uncertain significance. Last evaluated: 2023-05-30. Review status: criteria provided, single submitter. Criteria: Ambry Variant Classification Scheme 2023. Collection method: clinical testing. Allele origin: germline.